The following is an entry in ClinVar:

ClinVar aggregate classification (germline): Uncertain significance (1 of 4 stars; one submission).

Conditions:
Cryopyrin associated periodic syndrome (CAPS). Identifiers: Orphanet 208650, MedGen C2316212, MONDO:0016168.

Submission:

Labcorp Genetics (formerly Invitae), Labcorp
Classification: Uncertain significance for Cryopyrin associated periodic syndrome. Last evaluated: 2024-05-31. Review status: criteria provided, single submitter. Criteria: Invitae Variant Classification Sherloc (09022015). Collection method: clinical testing. Allele origin: germline.
Comment: This sequence change replaces lysine, which is basic and polar, with arginine, which is basic and polar, at codon 138 of the NLRP3 protein (p.Lys138Arg). This variant is not present in population databases (gnomAD no frequency). This variant has not been reported in the literature in individuals affected with NLRP3-related conditions. Advanced modeling of protein sequence and biophysical properties (such as structural, functional, and spatial information, amino acid conservation, physicochemical variation, residue mobility, and thermodynamic stability) performed at Invitae indicates that this missense variant is not expected to disrupt NLRP3 protein function with a negative predictive value of 95%. In summary, the available evidence is currently insufficient to determine the role of this variant in disease. Therefore, it has been classified as a Variant of Uncertain Significance.

NM_001243133.2(NLRP3):c.407A>G (p.Lys136Arg)

Gene: NLRP3 (NLR family pyrin domain containing 3; plus strand). Cytogenetic location: 1q44.
Variant type: single nucleotide variant.
Coding change: c.407A>G on transcript NM_001243133.2 (MANE Select); coding-DNA position 407, A replaced by G.
Protein change: p.Lys136Arg; replaces lysine 136 with arginine.
Molecular consequence: missense variant.
Genome position (GRCh38, 1-based): chr1:247,423,856, A>G. VCF-style: chr1-247423856-A-G. GRCh37 (hg19) VCF-style: chr1-247587158-A-G.
Other names: c.407A>G, p.Lys136Arg (NM_001079821.3, NM_001127461.3, NM_001127462.3 and 1 more transcripts); c.413A>G, p.Lys138Arg (NM_004895.5); short protein forms K136R, K138R.
Identifiers: ClinVar variation 3633867 (VCV003633867.2).